The following is an entry in ClinVar:

ClinVar aggregate classification (germline): Uncertain significance (1 of 4 stars; one submission).

Submission:

Labcorp Genetics (formerly Invitae), Labcorp
Classification: Uncertain significance. Last evaluated: 2024-05-29. Review status: criteria provided, single submitter. Criteria: Invitae Variant Classification Sherloc (09022015). Collection method: clinical testing. Allele origin: germline.
Comment: This sequence change replaces glycine, which is neutral and non-polar, with serine, which is neutral and polar, at codon 38 of the NR2F1 protein (p.Gly38Ser). The frequency data for this variant in the population databases is considered unreliable, as metrics indicate insufficient coverage at this position in the gnomAD database. This variant has not been reported in the literature in individuals affected with NR2F1-related conditions. ClinVar contains an entry for this variant (Variation ID: 2087564). An algorithm developed to predict the effect of missense changes on protein structure and function (PolyPhen-2) suggests that this variant is likely to be tolerated. In summary, the available evidence is currently insufficient to determine the role of this variant in disease. Therefore, it has been classified as a Variant of Uncertain Significance.

NM_005654.6(NR2F1):c.112G>A (p.Gly38Ser)

Genes: NR2F1 (nuclear receptor subfamily 2 group F member 1; plus strand), NR2F1-AS1 (NR2F1 regulatory antisense RNA 1; minus strand). Cytogenetic location: 5q15.
Variant type: single nucleotide variant.
Coding change: c.112G>A on transcript NM_005654.6 (MANE Select); coding-DNA position 112, G replaced by A.
Protein change: p.Gly38Ser; replaces glycine 38 with serine.
Molecular consequence: missense variant.
Genome position (GRCh38, 1-based): chr5:93,585,135, G>A. VCF-style: chr5-93585135-G-A. GRCh37 (hg19) VCF-style: chr5-92920841-G-A.
Other names: short protein forms G38S.
Identifiers: ClinVar variation 2087564 (VCV002087564.4), dbSNP rs1753206604, ClinGen allele CA360525545.